The following is an entry in ClinVar:

ClinVar aggregate classification (germline): Benign/Likely benign. Review status: criteria provided, multiple submitters, no conflicts (2 of 4 stars). 4 submissions from 4 submitters: Benign (2); Likely benign (2). Last evaluated 2026-06-01.

Conditions:
Rubinstein-Taybi syndrome due to CREBBP mutations (RSTS1). Also called: Rubinstein-Taybi syndrome 1; BROAD THUMBS AND GREAT TOES, CHARACTERISTIC FACIES, AND IMPAIRED INTELLECTUAL DEVELOPMENT; RUBINSTEIN-TAYBI SYNDROME 1, INCOMPLETE; RUBINSTEIN SYNDROME; BROAD THUMB-HALLUX SYNDROME; CREBBP-Related Rubinstein-Taybi Syndrome. Identifiers: Orphanet 353277, Orphanet 783, MedGen C4551859, MONDO:0008393, OMIM 180849.
Menke-Hennekam syndrome 2 (MKHK2). Identifiers: MedGen C5193035, MONDO:0020769, OMIM 618333.
Colorectal cancer. Also called: Colorectal cancer, somatic; Malignant Colorectal Neoplasm. Identifiers: MedGen C0346629, MONDO:0005575, OMIM 114500.
Rubinstein-Taybi syndrome due to EP300 haploinsufficiency. Also called: RUBINSTEIN-TAYBI SYNDROME 2; EP300-Related Rubinstein-Taybi Syndrome. Identifiers: Orphanet 353284, Orphanet 783, MedGen C3150941, MONDO:0013364, OMIM 613684.

Allele frequency attached by ClinVar (database versions not stated): gnomAD exomes 0.00188 and 0.00086; ExAC 0.00200; 1000 Genomes Project 0.00499; 1000 Genomes Project 30x 0.00562; ESP Exome Variant Server 0.00031; gnomAD 0.00035 and 0.00078; TOPMed 0.00063.
gnomAD v4.1: 1,393 of 1,613,964 alleles (0.086%); highest among the groups gnomAD compares: South Asian, 0.92%; 12 homozygotes.

Submissions (4):

CeGaT Center for Human Genetics Tuebingen
Classification: Likely benign. Last evaluated: 2026-06-01. Review status: criteria provided, single submitter. Criteria: CeGaT Center For Human Genetics Tuebingen Variant Classification Criteria Version 2. Collection method: clinical testing. Allele origin: germline. Affected: yes. Observed: 8 variant alleles.
Comment: EP300: BP4, BP7

Labcorp Genetics (formerly Invitae), Labcorp
Classification: Benign for Rubinstein-Taybi syndrome due to EP300 haploinsufficiency. Last evaluated: 2026-01-24. Review status: criteria provided, single submitter. Criteria: Invitae Variant Classification Sherloc (09022015). Collection method: clinical testing. Allele origin: germline.

Fulgent Genetics
Classification: Likely benign for Colorectal cancer; Rubinstein-Taybi syndrome due to CREBBP mutations; Rubinstein-Taybi syndrome due to EP300 haploinsufficiency; Menke-Hennekam syndrome 2. Last evaluated: 2021-10-21. Review status: criteria provided, single submitter. Criteria: ACMG Guidelines, 2015. Collection method: clinical testing. Allele origin: unknown.

GeneDx
Classification: Benign. Last evaluated: 2019-08-01. Review status: criteria provided, single submitter. Criteria: GeneDx Variant Classification Process June 2021. Collection method: clinical testing. Allele origin: germline. Affected: yes.

NM_001429.4(EP300):c.6951G>A (p.Arg2317=)

Gene: EP300 (EP300 lysine acetyltransferase; plus strand). Cytogenetic location: 22q13.2.
Variant type: single nucleotide variant.
Coding change: c.6951G>A on transcript NM_001429.4 (MANE Select); coding-DNA position 6951, G replaced by A.
Protein change: p.Arg2317=; no amino-acid change (arginine 2317 retained).
Molecular consequence: synonymous variant.
Genome position (GRCh38, 1-based): chr22:41,178,662, G>A. VCF-style: chr22-41178662-G-A. GRCh37 (hg19) VCF-style: chr22-41574666-G-A.
Other names: c.6873G>A, p.Arg2291= (NM_001362843.2).
Identifiers: ClinVar variation 341828 (VCV000341828.39), dbSNP rs139551099, ClinGen allele CA10253986.
Genomic context (GRCh38, chr22:41,178,662, plus strand): 5'-GCAGATCCCTAATTCTCTCTCCAATCAAGTGCGCTCTCCCCAGCCTGTCCCTTCTCCACG[G>A]CCACAGTCCCAGCCCCCCCACTCCAGTCCTTCCCCAAGGATGCAGCCTCAGCCTTCTCCA-3'
Protein context (NP_001420.2, residues 2307-2327): VRSPQPVPSP[Arg2317=]PQSQPPHSSP